The following is an entry in ClinVar:

ClinVar aggregate classification (germline): Likely benign. Review status: criteria provided, multiple submitters, no conflicts (2 of 4 stars). 2 submissions from 2 submitters: Likely benign (2). Last evaluated 2025-12-06.

Conditions:
Mucolipidosis type IV (ML4). Also called: ML IV. Identifiers: Orphanet 578, MedGen C0238286, MONDO:0009653, OMIM 252650.

Allele frequency attached by ClinVar (database versions not stated): gnomAD exomes 0.00002 and 0.00001; ExAC 0.00001; gnomAD 0.00001; TOPMed 0.00001.
gnomAD v4.1: 12 of 1,613,584 alleles (0.00074%); highest among the groups gnomAD compares: Middle Eastern, 0.017%; no homozygotes.

Submissions (2):

Labcorp Genetics (formerly Invitae), Labcorp
Classification: Likely benign for Mucolipidosis type IV. Last evaluated: 2025-12-06. Review status: criteria provided, single submitter. Criteria: Invitae Variant Classification Sherloc (09022015). Collection method: clinical testing. Allele origin: germline.

CeGaT Center for Human Genetics Tuebingen
Classification: Likely benign. Last evaluated: 2023-12-01. Review status: criteria provided, single submitter. Criteria: CeGaT Center For Human Genetics Tuebingen Variant Classification Criteria Version 2. Collection method: clinical testing. Allele origin: germline. Affected: yes. Observed: 1 variant allele.
Comment: MCOLN1: BP4, BP7

NM_020533.3(MCOLN1):c.99G>A (p.Pro33=)

Gene: MCOLN1 (mucolipin TRP cation channel 1; plus strand). Cytogenetic location: 19p13.2.
Variant type: single nucleotide variant.
Coding change: c.99G>A on transcript NM_020533.3 (MANE Select); coding-DNA position 99, G replaced by A.
Protein change: p.Pro33=; no amino-acid change (proline 33 retained).
Molecular consequence: synonymous variant.
Genome position (GRCh38, 1-based): chr19:7,525,028, G>A. VCF-style: chr19-7525028-G-A. GRCh37 (hg19) VCF-style: chr19-7589914-G-A.
Identifiers: ClinVar variation 1140428 (VCV001140428.31), dbSNP rs760801246, ClinGen allele CA9138611.
Genomic context (GRCh38, chr19:7,525,028, plus strand): 5'-GCGGCTTCTGACCCCCAACCCCGGGTATGGGACCCAGGCGGGGCCTTCACCGGCCCCTCC[G>A]ACACCCCCAGAAGAGGAAGACCTTCGCCGTCGTCTCAAATACTTTTTCATGAGTCCCTGC-3'
Protein context (NP_065394.1, residues 23-43): GTQAGPSPAP[Pro33=]TPPEEEDLRR